The following is an entry in ClinVar:

NM_001127198.5(TMC6):c.1138G>A (p.Ala380Thr)

Gene: TMC6 (transmembrane channel like 6; minus strand). Cytogenetic location: 17q25.3.
Variant type: single nucleotide variant.
Coding change: c.1138G>A on transcript NM_001127198.5 (MANE Select); coding-DNA position 1138, G replaced by A.
Protein change: p.Ala380Thr; replaces alanine 380 with threonine.
Molecular consequence: missense variant. On other transcripts: non-coding transcript variant (4).
Genome position (GRCh38, 1-based): chr17:78,122,694, C>T on the plus strand (G>A on the coding strand, the complement: TMC6 is on the minus strand). VCF-style: chr17-78122694-C-T. GRCh37 (hg19) VCF-style: chr17-76118775-C-T.
Other names: c.1138G>A, p.Ala380Thr (NM_001321185.1, NM_001374593.1, NM_001374594.1 and 4 more transcripts); short protein forms A380T.
Identifiers: ClinVar variation 1923596 (VCV001923596.6), dbSNP rs369389565, ClinGen allele CA8795861.

ClinVar aggregate classification (germline): Uncertain significance. Review status: criteria provided, multiple submitters, no conflicts (2 of 4 stars). 2 submissions from 2 submitters: Uncertain significance (2). Last evaluated 2025-09-10.

Conditions:
Epidermodysplasia verruciformis. Identifiers: Orphanet 302, MedGen C0014522, MONDO:0009176.
Inborn genetic diseases. Identifiers: MedGen C0950123, MeSH D030342.

Allele frequency attached by ClinVar (database versions not stated): ExAC 0.00002; TOPMed 0.00002; gnomAD 0.00003; ESP Exome Variant Server 0.00008.
gnomAD v4.1: 23 of 1,611,488 alleles (0.0014%); highest among the groups gnomAD compares: East Asian, 0.0045%; no homozygotes.

Submissions (2):

Ambry Genetics
Classification: Uncertain significance for Inborn genetic diseases. Last evaluated: 2025-09-10. Review status: criteria provided, single submitter. Criteria: Ambry Variant Classification Scheme 2023. Collection method: clinical testing. Allele origin: germline.

Labcorp Genetics (formerly Invitae), Labcorp
Classification: Uncertain significance for Epidermodysplasia verruciformis. Last evaluated: 2022-04-24. Review status: criteria provided, single submitter. Criteria: Invitae Variant Classification Sherloc (09022015). Collection method: clinical testing. Allele origin: germline.
Comment: In summary, the available evidence is currently insufficient to determine the role of this variant in disease. Therefore, it has been classified as a Variant of Uncertain Significance. Algorithms developed to predict the effect of missense changes on protein structure and function are either unavailable or do not agree on the potential impact of this missense change (SIFT: "Not Available"; PolyPhen-2: "Probably Damaging"; Align-GVGD: "Not Available"). This variant has not been reported in the literature in individuals affected with TMC6-related conditions. The frequency data for this variant in the population databases is considered unreliable, as metrics indicate poor data quality at this position in the gnomAD database. This sequence change replaces alanine, which is neutral and non-polar, with threonine, which is neutral and polar, at codon 380 of the TMC6 protein (p.Ala380Thr).